The following is an entry in ClinVar:

ClinVar aggregate classification (germline): Uncertain significance (1 of 4 stars; one submission).

gnomAD v4.1: 1 of 1,614,028 alleles (0.000062%); highest among the groups gnomAD compares: Non-Finnish European, 0.000085%; no homozygotes.

Submission:

Ambry Genetics
Classification: Uncertain significance. Last evaluated: 2024-10-24. Review status: criteria provided, single submitter. Criteria: Ambry Variant Classification Scheme 2023. Collection method: clinical testing. Allele origin: germline.
Comment: The p.R1549K variant (also known as c.4646G>A), located in coding exon 41 of the KIF1B gene, results from a G to A substitution at nucleotide position 4646. The arginine at codon 1549 is replaced by lysine, an amino acid with highly similar properties. This amino acid position is not well conserved in available vertebrate species. In addition, this alteration is predicted to be tolerated by in silico analysis. The evidence for this gene-disease relationship is limited; therefore, the clinical significance of this alteration is unclear.

NM_001365951.3(KIF1B):c.4784G>A (p.Arg1595Lys)

Gene: KIF1B (kinesin family member 1B; plus strand). Cytogenetic location: 1p36.22.
Variant type: single nucleotide variant.
Coding change: c.4784G>A on transcript NM_001365951.3 (MANE Select); coding-DNA position 4784, G replaced by A.
Protein change: p.Arg1595Lys; replaces arginine 1595 with lysine.
Molecular consequence: missense variant.
Genome position (GRCh38, 1-based): chr1:10,368,498, G>A. VCF-style: chr1-10368498-G-A. GRCh37 (hg19) VCF-style: chr1-10428556-G-A.
Other names: c.4784G>A, p.Arg1595Lys (NM_001365952.1); c.4646G>A, p.Arg1549Lys (NM_015074.3); short protein forms R1549K, R1595K.
Identifiers: ClinVar variation 1742156 (VCV001742156.3), dbSNP rs2521934731, ClinGen allele CA338324220.